The following is an entry in ClinVar:

ClinVar aggregate classification (germline): Pathogenic. Review status: criteria provided, multiple submitters, no conflicts (2 of 4 stars). 3 submissions from 3 submitters: Pathogenic (3). Last evaluated 2024-09-04.

Conditions:
Hereditary cancer-predisposing syndrome. Also called: Tumor predisposition; Neoplastic Syndromes, Hereditary; Hereditary neoplastic syndrome; Hereditary Cancer Syndrome. Identifiers: Orphanet 140162, MedGen C0027672, MeSH D009386, MONDO:0015356.
Multiple endocrine neoplasia, type 1 (MEN1). Also called: MEN I; WERMER SYNDROME; Endocrine adenomatosis multiple; MEN 1; MEA I. Identifiers: Orphanet 652, MedGen C0025267, MeSH D018761, MONDO:0007540, OMIM 131100.

Submissions (3):

Labcorp Genetics (formerly Invitae), Labcorp
Classification: Pathogenic for Multiple endocrine neoplasia, type 1. Last evaluated: 2024-09-04. Review status: criteria provided, single submitter. Criteria: Invitae Variant Classification Sherloc (09022015). Collection method: clinical testing. Allele origin: germline.
Comment: This sequence change creates a premature translational stop signal (p.Arg98*) in the MEN1 gene. It is expected to result in an absent or disrupted protein product. Loss-of-function variants in MEN1 are known to be pathogenic (PMID: 12112656, 17853334). This variant is not present in population databases (gnomAD no frequency). This premature translational stop signal has been observed in individual(s) with multiple endocrine neoplasia type 1 (PMID: 17879353). ClinVar contains an entry for this variant (Variation ID: 265234). For these reasons, this variant has been classified as Pathogenic.

Ambry Genetics
Classification: Pathogenic for Hereditary cancer-predisposing syndrome. Last evaluated: 2021-06-20. Review status: criteria provided, single submitter. Criteria: Ambry Variant Classification Scheme 2023. Collection method: clinical testing. Allele origin: germline.
Comment: The p.R98* pathogenic mutation (also known as c.292C>T), located in coding exon 1 of the MEN1 gene, results from a C to T substitution at nucleotide position 292. This changes the amino acid from an arginine to a stop codon within coding exon 1. This alteration has been identified in the germline of 1.5% of individuals diagnosed with multiple endocrine neoplasia type 1 (Lemos MC et al. Hum Mutat, 2008 Jan;29:22-32). This alteration is expected to result in loss of function by premature protein truncation or nonsense-mediated mRNA decay. As such, this alteration is interpreted as a disease-causing mutation.

GeneDx
Classification: Pathogenic. Last evaluated: 2016-07-29. Review status: criteria provided, single submitter. Criteria: GeneDx Variant Classification (06012015). Collection method: clinical testing. Allele origin: germline. Affected: yes.
Comment: The R98X variant in the MEN1 gene has been reported previously in association with multiple endocrine neoplasia type 1 (for examples, see Wautot et al., 2002; Giacche et al., 2012; Christakis et al., 2016). This variant has been identified in the germline of 1.5% of families diagnosed with MEN1 (Lemos and Thakker, 2008; Thakker et al., 2010). This variant is predicted to cause loss of normal protein function either through protein truncation of nonsense-mediated mRNA decay. Based on currently available evidence, we consider R98X to be pathogenic.

Literature cited by the submitters: PubMed 12112656 (cited by Labcorp Genetics (formerly Invitae), Labcorp); PubMed 17853334 (cited by Labcorp Genetics (formerly Invitae), Labcorp); PubMed 17879353 (cited by Labcorp Genetics (formerly Invitae), Labcorp and Ambry Genetics); PubMed 27311764 (cited by Ambry Genetics).

NM_001370259.2(MEN1):c.292C>T (p.Arg98Ter)

Gene: MEN1 (menin 1; minus strand). Cytogenetic location: 11q13.1.
Variant type: single nucleotide variant.
Coding change: c.292C>T on transcript NM_001370259.2 (MANE Select); coding-DNA position 292, C replaced by T.
Protein change: p.Arg98Ter; replaces arginine 98 with a stop codon.
Molecular consequence: nonsense.
Genome position (GRCh38, 1-based): chr11:64,809,818, G>A on the plus strand (C>T on the coding strand, the complement: MEN1 is on the minus strand). VCF-style: chr11-64809818-G-A. GRCh37 (hg19) VCF-style: chr11-64577290-G-A.
Other names: c.292C>T, p.Arg98Ter (NM_000244.4, NM_001370251.2, NM_001370260.2 and 9 more transcripts); short protein forms R98*.
Identifiers: ClinVar variation 265234 (VCV000265234.14), dbSNP rs886039413, ClinGen allele CA10588535.